The following is an entry in ClinVar:

ClinVar aggregate classification (germline): Uncertain significance. Review status: criteria provided, multiple submitters, no conflicts (2 of 4 stars). 3 submissions from 3 submitters: Uncertain significance (2). 1 of the submissions does not count toward it. Last evaluated 2019-01-10.

Conditions:
Nephrotic syndrome, type 19. Identifiers: MedGen C4748552, MONDO:0032582, OMIM 618178.

Allele frequency attached by ClinVar (database versions not stated): gnomAD 0.00001; gnomAD exomes 0.00001 and 0.00002; TOPMed 0.00001; ExAC 0.00002.
gnomAD v4.1: 10 of 1,612,162 alleles (0.00062%); highest among the groups gnomAD compares: East Asian, 0.022%; no homozygotes.

Submissions (3):

SIB Swiss Institute of Bioinformatics
Classification: Uncertain significance for Nephrotic syndrome, type 19. Last evaluated: 2019-01-10. Review status: criteria provided, single submitter. Criteria: ACMG Guidelines, 2015. Collection method: curation. Allele origin: unknown.
Comment: This variant is interpreted as a Uncertain significance for Nephrotic syndrome 19, autosomal recessive. The following ACMG Tag(s) were applied: PM2 => Absent from controls (or at extremely low frequency if recessive) in Exome Sequencing Project, 1000 Genomes Project, or Exome Aggregation Consortium.

ClinGen:CA5981023

Precision Medicine Center, Zhengzhou University
Classification: Uncertain significance for Nephrotic syndrome, type 19. Review status: criteria provided, single submitter. Criteria: ACMG Guidelines, 2015. Collection method: research. Allele origin: germline. Affected: yes.
Comment: PM2:at extremely low frequency in gnomAD

OMIM
Classification: Pathogenic for NEPHROTIC SYNDROME, TYPE 19 (1 family). Last evaluated: 2024-07-31. Review status: no assertion criteria provided. Collection method: literature only. Allele origin: germline. Not counted in ClinVar's aggregate classification.

Literature cited by the submitters: PubMed 30179222 (cited by SIB Swiss Institute of Bioinformatics and OMIM).

NM_015231.3(NUP160):c.2305G>A (p.Glu769Lys)

Gene: NUP160 (nucleoporin 160; minus strand). Cytogenetic location: 11p11.2.
Variant type: single nucleotide variant.
Coding change: c.2305G>A on transcript NM_015231.3 (MANE Select); coding-DNA position 2305, G replaced by A.
Protein change: p.Glu769Lys; replaces glutamic acid 769 with lysine.
Molecular consequence: missense variant. On other transcripts: non-coding transcript variant (1).
Genome position (GRCh38, 1-based): chr11:47,807,109, C>T on the plus strand (G>A on the coding strand, the complement: NUP160 is on the minus strand). VCF-style: chr11-47807109-C-T. GRCh37 (hg19) VCF-style: chr11-47828661-C-T.
Other names: short protein forms E803K, E769K.
Identifiers: ClinVar variation 590322 (VCV000590322.5), dbSNP rs775637217, ClinGen allele CA5981023.